The following is an entry in ClinVar:

NC_000013.10:g.(?_32908767)_(32914690_?)del

Gene: BRCA2 (BRCA2 DNA repair associated; plus strand). Cytogenetic location: 13q13.1.
Variant type: Deletion.
Identifiers: ClinVar variation 2422277 (VCV002422277.6).

ClinVar aggregate classification (germline): Likely pathogenic (1 of 4 stars; one submission).

Conditions:
Hereditary breast ovarian cancer syndrome. Also called: Hereditary breast and ovarian cancer syndrome; Hereditary breast and ovarian cancer; Hereditary breast and/or ovarian cancer syndrome; Hereditary breast and ovarian cancer syndrome (HBOC); Breast and ovarian cancer; BRCA1- and BRCA2-Associated Hereditary Breast and Ovarian Cancer. Identifiers: Orphanet 145, MedGen C0677776, MeSH D061325, MONDO:0003582. Disease mechanism: loss of function.

Submission:

Labcorp Genetics (formerly Invitae), Labcorp
Classification: Likely pathogenic for Hereditary breast ovarian cancer syndrome. Last evaluated: 2021-12-30. Review status: criteria provided, single submitter. Criteria: Invitae Variant Classification Sherloc (09022015). Collection method: clinical testing. Allele origin: germline.
Comment: In summary, the currently available evidence indicates that the variant is pathogenic, but additional data are needed to prove that conclusively. Therefore, this variant has been classified as Likely Pathogenic. This variant has not been reported in the literature in individuals affected with BRCA2-related conditions. This variant results in the deletion of part of exon 11 (c.1909+1244_6199del) of the BRCA2 gene. It is expected to disrupt RNA splicing. Variants that disrupt the donor or acceptor splice site typically lead to a loss of protein function (PMID: 16199547), and loss-of-function variants in BRCA2 are known to be pathogenic (PMID: 20104584).

Literature cited by the submitters: PubMed 16199547; PubMed 20104584.